The following is an entry in ClinVar:

ClinVar aggregate classification (germline): Pathogenic/Likely pathogenic. Review status: criteria provided, multiple submitters, no conflicts (2 of 4 stars). 5 submissions from 5 submitters: Pathogenic (3); Likely pathogenic (1). 1 of the submissions does not count toward it. Last evaluated 2024-10-01.

Conditions:
Retinal dystrophy. Also called: Inherited retinal dystrophy. Identifiers: Orphanet 71862, MedGen C0854723, MeSH D058499, MONDO:0019118, HP:0000556.
Vitelliform macular dystrophy 2. Also called: Best Macular Dystrophy; Best vitelliform macular dystrophy, multifocal; Best Vitelliform Macular Dystrophy (BVMD); MACULAR DEGENERATION, POLYMORPHIC VITELLINE; VITELLIFORM MACULAR DYSTROPHY, EARLY-ONSET; VITELLIFORM MACULAR DYSTROPHY, JUVENILE-ONSET. Identifiers: Orphanet 1243, MedGen C2745945, MONDO:0007931, OMIM 153700.
BEST1-related disorder. Also called: BEST1-related disorders; BEST1-related condition. Identifiers: MedGen CN239200.

Submissions (5):

Lab De Baere, Eye and Developmental Genetics Lab, Ghent University
Classification: Likely pathogenic for Vitelliform macular dystrophy 2. Last evaluated: 2024-10-01. Review status: criteria provided, single submitter. Criteria: ACMG Guidelines, 2015. Collection method: research. Allele origin: inherited. Affected: yes. Observed: 1 variant allele.
Comment: ACMG/AMP guidelines: PM2, PS4_PM, PP4_PP, PP3, PM5, PP1

Labcorp Genetics (formerly Invitae), Labcorp
Classification: Pathogenic. Last evaluated: 2021-08-04. Review status: criteria provided, single submitter. Criteria: Invitae Variant Classification Sherloc (09022015). Collection method: clinical testing. Allele origin: germline.
Comment: ClinVar contains an entry for this variant (Variation ID: 99762). For these reasons, this variant has been classified as Pathogenic. This variant disrupts the p.Ile295 amino acid residue in BEST1. Other variant(s) that disrupt this residue have been observed in individuals with BEST1-related conditions (PMID: 21109774, 28559085, 29781975; Invitae), which suggests that this may be a clinically significant amino acid residue. Advanced modeling of protein sequence and biophysical properties (such as structural, functional, and spatial information, amino acid conservation, physicochemical variation, residue mobility, and thermodynamic stability) performed at Invitae indicates that this missense variant is expected to disrupt BEST1 protein function. This variant is also known as T990C. This missense change has been observed in individuals with autosomal dominant vitelliform macular dystrophy (PMID: 12187431, 29781975). This variant is not present in population databases (ExAC no frequency). This sequence change replaces isoleucine with threonine at codon 295 of the BEST1 protein (p.Ile295Thr). The isoleucine residue is highly conserved and there is a moderate physicochemical difference between isoleucine and threonine.

Blueprint Genetics
Classification: Pathogenic for BEST1-related disorders. Last evaluated: 2020-12-09. Review status: criteria provided, single submitter. Criteria: ACMG Guidelines, 2015. Collection method: clinical testing. Allele origin: germline. Affected: yes. Observed: 1 variant allele.

Institute of Human Genetics, Univ. Regensburg, Univ. Regensburg
Classification: Pathogenic for Retinal dystrophy. Last evaluated: 2009-01-01. Review status: criteria provided, single submitter. Criteria: ACMG Guidelines, 2015. Collection method: clinical testing. Allele origin: germline. Affected: yes.

Retina International
No classification provided. Review status: no classification provided. Collection method: not provided. Allele origin: not provided. Not counted in ClinVar's aggregate classification.

Literature cited by the submitters: PubMed 21109774 (cited by Labcorp Genetics (formerly Invitae), Labcorp); PubMed 28559085 (cited by Labcorp Genetics (formerly Invitae), Labcorp); PubMed 29781975 (cited by Labcorp Genetics (formerly Invitae), Labcorp and Institute of Human Genetics, Univ. Regensburg, Univ. Regensburg); PubMed 12187431 (cited by Labcorp Genetics (formerly Invitae), Labcorp and Institute of Human Genetics, Univ. Regensburg, Univ. Regensburg); PubMed 31519547 (cited by Institute of Human Genetics, Univ. Regensburg, Univ. Regensburg); PubMed 34327816 (cited by Institute of Human Genetics, Univ. Regensburg, Univ. Regensburg).

NM_004183.4(BEST1):c.884T>C (p.Ile295Thr)

Gene: BEST1 (bestrophin 1; plus strand). Cytogenetic location: 11q12.3.
Variant type: single nucleotide variant.
Coding change: c.884T>C on transcript NM_004183.4 (MANE Select); coding-DNA position 884, T replaced by C.
Protein change: p.Ile295Thr; replaces isoleucine 295 with threonine.
Molecular consequence: missense variant. On other transcripts: non-coding transcript variant (1), intron variant (1).
Genome position (GRCh38, 1-based): chr11:61,959,514, T>C. VCF-style: chr11-61959514-T-C. GRCh37 (hg19) VCF-style: chr11-61726986-T-C.
Other names: c.566T>C, p.Ile189Thr (NM_001363591.3); c.1087T>C, p.Ser363Pro (NM_001363592.2); c.-89T>C (NM_001363593.3); c.688-378T>C (NM_001300786.2); c.704T>C, p.Ile235Thr (NM_001139443.3, NM_001300787.2); short protein forms I295T, I235T, I189T, S363P.
Identifiers: ClinVar variation 99762 (VCV000099762.8), dbSNP rs281865253, ClinGen allele CA227832.